The following is an entry in ClinVar:

ClinVar aggregate classification (germline): Uncertain significance (1 of 4 stars; one submission).

Submission:

CeGaT Center for Human Genetics Tuebingen
Classification: Uncertain significance. Last evaluated: 2025-06-01. Review status: criteria provided, single submitter. Criteria: CeGaT Center For Human Genetics Tuebingen Variant Classification Criteria Version 2. Collection method: clinical testing. Allele origin: germline. Affected: yes. Observed: 1 variant allele.
Comment: H4C3: PM2

NM_003542.4(H4C3):c.20G>T (p.Gly7Val)

Gene: H4C3 (H4 clustered histone 3; plus strand). Cytogenetic location: 6p22.2.
Variant type: single nucleotide variant.
Coding change: c.20G>T on transcript NM_003542.4 (MANE Select); coding-DNA position 20, G replaced by T.
Protein change: p.Gly7Val; replaces glycine 7 with valine.
Molecular consequence: missense variant.
Genome position (GRCh38, 1-based): chr6:26,103,967, G>T. VCF-style: chr6-26103967-G-T. GRCh37 (hg19) VCF-style: chr6-26104195-G-T.
Other names: short protein forms G7V.
Identifiers: ClinVar variation 4085263 (VCV004085263.8).
Genomic context (GRCh38, chr6:26,103,967, plus strand): 5'-AGGAACTGTTTCAGTTCATACCTTCCACTGCGATAGGAATCATGTCTGGTCGCGGCAAAG[G>T]CGGAAAAGGCTTGGGGAAGGGTGGTGCTAAGCGCCATCGTAAGGTGCTCCGGGATAACAT-3'
Protein context (NP_003533.1, residues 1-17): MSGRGK[Gly7Val]GKGLGKGGAK